The following is an entry in ClinVar:

NM_152415.3(VPS37A):c.315+14A>C

Gene: VPS37A (VPS37A subunit of ESCRT-I; plus strand). Cytogenetic location: 8p22.
Variant type: single nucleotide variant.
Coding change: c.315+14A>C on transcript NM_152415.3 (MANE Select); 14 bases into the intron after coding-DNA position 315, A replaced by C.
Molecular consequence: intron variant.
Genome position (GRCh38, 1-based): chr8:17,268,386, A>C. VCF-style: chr8-17268386-A-C. GRCh37 (hg19) VCF-style: chr8-17125895-A-C.
Other names: c.45+14A>C (NM_001363172.2, NM_001363168.1, NM_001363170.1 and 2 more transcripts); c.315+14A>C (NM_001363173.2, NM_001363167.1); c.240+14A>C (NM_001145152.2).
Identifiers: ClinVar variation 510560 (VCV000510560.9), dbSNP rs59713854, ClinGen allele CA4643252.

ClinVar aggregate classification (germline): Benign/Likely benign. Review status: criteria provided, multiple submitters, no conflicts (2 of 4 stars). 2 submissions from 2 submitters: Benign (1); Likely benign (1). Last evaluated 2026-01-27.

Conditions:
Hereditary spastic paraplegia 53. Also called: Spastic paraplegia 53, autosomal recessive. Identifiers: Orphanet 319199, MedGen C3539494, MONDO:0013962, OMIM 614898.

Allele frequency attached by ClinVar (database versions not stated): gnomAD exomes 0.00113; ExAC 0.00135; 1000 Genomes Project 0.00379; 1000 Genomes Project 30x 0.00484; ESP Exome Variant Server 0.00492; gnomAD 0.00497 and 0.00537; TOPMed 0.00598.
gnomAD v4.1: 1,407 of 1,541,788 alleles (0.091%); highest among the groups gnomAD compares: African/African-American, 1.6%; 17 homozygotes.

Submissions (2):

Labcorp Genetics (formerly Invitae), Labcorp
Classification: Benign for Hereditary spastic paraplegia 53. Last evaluated: 2026-01-27. Review status: criteria provided, single submitter. Criteria: Invitae Variant Classification Sherloc (09022015). Collection method: clinical testing. Allele origin: germline.

GeneDx
Classification: Likely benign. Last evaluated: 2017-07-06. Review status: criteria provided, single submitter. Criteria: GeneDx Variant Classification (06012015). Collection method: clinical testing. Allele origin: germline. Affected: yes.
Comment: This variant is considered likely benign or benign based on one or more of the following criteria: it is a conservative change, it occurs at a poorly conserved position in the protein, it is predicted to be benign by multiple in silico algorithms, and/or has population frequency not consistent with disease.